The following is an entry in ClinVar:

ClinVar aggregate classification (germline): Uncertain significance (1 of 4 stars; one submission).

Conditions:
Familial adenomatous polyposis 1 (FAP1). Also called: FAMILIAL ADENOMATOUS POLYPOSIS 1, ATTENUATED; POLYPOSIS, ADENOMATOUS INTESTINAL. Identifiers: MedGen C2713442, MONDO:0021056, OMIM 175100. Disease mechanism: loss of function.

Allele frequency attached by ClinVar (database versions not stated): TOPMed 0.00002; gnomAD 0.00003 and 0.00004.
gnomAD v4.1: 14 of 521,166 alleles (0.0027%); highest among the groups gnomAD compares: South Asian, 0.0096%; no homozygotes.

Submission:

Labcorp Genetics (formerly Invitae), Labcorp
Classification: Uncertain significance for Familial adenomatous polyposis 1. Last evaluated: 2025-09-08. Review status: criteria provided, single submitter. Criteria: Invitae Variant Classification Sherloc (09022015). Collection method: clinical testing. Allele origin: germline.
Comment: This variant occurs in a non-coding region of the APC gene. It does not change the encoded amino acid sequence of the APC protein. This variant is present in population databases (no rsID available, gnomAD 0.01%). This variant has not been reported in the literature in individuals affected with APC-related conditions. ClinVar contains an entry for this variant (Variation ID: 537588). Experimental studies and prediction algorithms are not available or were not evaluated, and the functional significance of this variant is currently unknown. In summary, the available evidence is currently insufficient to determine the role of this variant in disease. Therefore, it has been classified as a Variant of Uncertain Significance.

NM_001127511.3(APC):c.-178G>A

Gene: APC (APC regulator of Wnt signaling pathway; plus strand). Cytogenetic location: 5q22.2.
Variant type: single nucleotide variant.
Coding change: c.-178G>A on transcript NM_001127511.3; 178 bases upstream of the start codon, G replaced by A.
Molecular consequence: 5 prime UTR variant. On other transcripts: non-coding transcript variant (2).
Genome position (GRCh38, 1-based): chr5:112,707,540, G>A. VCF-style: chr5-112707540-G-A. GRCh37 (hg19) VCF-style: chr5-112043237-G-A.
Other names: c.-361G>A (NM_001354895.2, NM_001407447.1, NM_001407452.1 and 3 more transcripts); c.-178G>A (NM_001354897.2, NM_001354902.2, NM_001407446.1); c.-128G>A (NM_001407448.1, NM_001407450.1, NM_001407457.1 and 1 more transcripts); c.-152G>A (NM_001407453.1); c.-1396G>A (NM_001407470.1, NM_001407472.1).
Identifiers: ClinVar variation 537588 (VCV000537588.10), dbSNP rs1045323633, ClinGen allele CA124924858.